The following is an entry in ClinVar:

NM_002734.5(PRKAR1A):c.1118A>C (p.Tyr373Ser)

Gene: PRKAR1A (protein kinase cAMP-dependent type I regulatory subunit alpha; plus strand). Cytogenetic location: 17q24.2.
Variant type: single nucleotide variant.
Coding change: c.1118A>C on transcript NM_002734.5 (MANE Select); coding-DNA position 1118, A replaced by C.
Protein change: p.Tyr373Ser; replaces tyrosine 373 with serine.
Molecular consequence: missense variant. On other transcripts: intron variant (1).
Genome position (GRCh38, 1-based): chr17:68,530,421, A>C. VCF-style: chr17-68530421-A-C. GRCh37 (hg19) VCF-style: chr17-66526562-A-C.
Other names: c.1118A>C, p.Tyr373Ser (NM_001276289.2, NM_001278433.2, NM_001369389.1 and 3 more transcripts); c.973+420A>C (NM_001276290.1); short protein forms Y373S.
Identifiers: ClinVar variation 1800577 (VCV001800577.1), dbSNP rs2509447375, ClinGen allele CA400754934.

ClinVar aggregate classification (germline): Uncertain significance (1 of 4 stars; one submission).

Submission:

GeneDx
Classification: Uncertain significance. Last evaluated: 2022-05-20. Review status: criteria provided, single submitter. Criteria: GeneDx Variant Classification Process June 2021. Collection method: clinical testing. Allele origin: germline. Affected: yes.
Comment: Not observed at significant frequency in large population cohorts (gnomAD); In silico analysis supports that this missense variant has a deleterious effect on protein structure/function; Has not been previously published as pathogenic or benign to our knowledge; This variant is associated with the following publications: (PMID: 24363928)